The following is an entry in ClinVar:

ClinVar aggregate classification (germline): Uncertain significance (0 of 4 stars; one submission).
ClinVar aggregate classification (somatic clinical impact): Tier I - Strong. Review status: criteria provided, multiple submitters. 2 submissions from 2 submitters. Last evaluated 2026-04-22.

Conditions:
Spitz Melanocytoma. Identifiers: MedGen C4522245.
Melanoma. Identifiers: MedGen C0025202, MeSH D008545, MONDO:0005105, HP:0002861.

Submissions (3):

CIViC Knowledgebase, Washington University School of Medicine
Classification: Tier I - Strong for Melanoma. Assertion type: therapeutic. Clinical significance: sensitivity/response. Last evaluated: 2026-04-22. Review status: criteria provided, single submitter. Criteria: AMP/ASCO/CAP Guidelines, 2017. Collection method: curation. Allele origin: somatic.
Comment: Combination treatment of BRAF inhibitor dabrafenib and MEK inhibitor trametinib is recommended for adjuvant treatment of stage III or recurrent melanoma with the less common BRAF V600K mutation detected by the approved THxID kit, as well as first line treatment for metastatic melanoma. This treatment combination was FDA approved based on the (COMBI-v) trial, where 68 V600K metastatic melanoma patients had either a 65 percent response rate to dabrafenib and trametinib combination therapy, or a 44 percent with vemurafenib alone (civic.EID:4181), as well as the COMBI-D (civic.EID:6939), and COMBI-AD (civic.EID:6179) Trials, which also showed superiority of combination therapy.

Institute for Genomic Medicine (IGM) Clinical Laboratory, Nationwide Children's Hospital
Classification: Tier I - Strong for Spitz Melanocytoma. Assertion type: diagnostic. Clinical significance: supports diagnosis. Last evaluated: 2025-05-14. Review status: criteria provided, single submitter. Criteria: AMP/ASCO/CAP Guidelines, 2017. Collection method: clinical testing. Allele origin: somatic. Affected: yes.
Comment: Variant has Tier I (strong) clinical significance as a diagnostic inclusion criterion in Spitz Melanocytoma, based on the following evidence: 1) Documented in one or more cancer databases (e.g., St. Jude Pecan, COSMIC, CIViC, OncoKB). 2) Appears in one or more well-established professional guidelines (e.g., World Health Organization [WHO]; National Comprehensive Cancer Network [NCCN]) as providing diagnostic, prognostic, or therapeutic information. 3) Information in the literature supports potential biologic effect of variant (PMIDs: 19251651, 26343582). 4) Diagnostic for a specific tumor type/classification based on well-powered studies with expert-level consensus (Evidence Level B; PMIDs: 16799476, 30069451, 30190871, 35160279, 36261329, 36351866, 36841436).

Department of Pathology and Laboratory Medicine, Sinai Health System
Classification: Uncertain significance. Review status: no assertion criteria provided. Collection method: clinical testing. Allele origin: unknown. Affected: yes. Observed: 5 variant alleles. Study: The Canadian Open Genetics Repository (COGR).

Literature cited by the submitters: PubMed 19251651 (cited by Institute for Genomic Medicine (IGM) Clinical Laboratory, Nationwide Children's Hospital); PubMed 26343582 (cited by Institute for Genomic Medicine (IGM) Clinical Laboratory, Nationwide Children's Hospital); PubMed 16799476 (cited by Institute for Genomic Medicine (IGM) Clinical Laboratory, Nationwide Children's Hospital); PubMed 30069451 (cited by Institute for Genomic Medicine (IGM) Clinical Laboratory, Nationwide Children's Hospital); PubMed 30190871 (cited by Institute for Genomic Medicine (IGM) Clinical Laboratory, Nationwide Children's Hospital); PubMed 35160279 (cited by Institute for Genomic Medicine (IGM) Clinical Laboratory, Nationwide Children's Hospital); PubMed 36261329 (cited by Institute for Genomic Medicine (IGM) Clinical Laboratory, Nationwide Children's Hospital); PubMed 36351866 (cited by Institute for Genomic Medicine (IGM) Clinical Laboratory, Nationwide Children's Hospital); PubMed 36841436 (cited by Institute for Genomic Medicine (IGM) Clinical Laboratory, Nationwide Children's Hospital).

NM_004333.6(BRAF):c.1798_1799delinsAA (p.Val600Lys)

Gene: BRAF (B-Raf proto-oncogene, serine/threonine kinase; minus strand). Cytogenetic location: 7q34.
Variant type: Indel.
Coding change: c.1798_1799delinsAA on transcript NM_004333.6 (MANE Select); coding-DNA positions 1798 to 1799, GT replaced by AA.
Protein change: p.Val600Lys; replaces valine 600 with lysine.
Molecular consequence: missense variant.
Genome position (GRCh38, 1-based): chr7:140,753,336-140,753,337, AC replaced by TT on the plus strand (GT replaced by AA on the coding strand, the reverse complement: BRAF is on the minus strand). VCF-style: chr7-140753336-AC-TT. GRCh37 (hg19) VCF-style: chr7-140453136-AC-TT.
Other names: c.1798_1799delGTinsAA (NM_004333.4); c.1798_1799delinsAA, p.Val600Lys (NM_001354609.2, NM_001378468.1, NM_001378474.1); c.1918_1919delinsAA, p.Val640Lys (NM_001374244.1, NM_001374258.1); c.1807_1808delinsAA, p.Val603Lys (NM_001378467.1); c.1732_1733delinsAA, p.Val578Lys (NM_001378469.1); c.1696_1697delinsAA, p.Val566Lys (NM_001378470.1); c.1687_1688delinsAA, p.Val563Lys (NM_001378471.1); c.1642_1643delinsAA, p.Val548Lys (NM_001378472.1, NM_001378473.1); and 1 more; short protein forms V600K, V512K, V548K, V563K, V566K, V578K, V603K, V640K.
Identifiers: ClinVar variation 375941 (VCV000375941.8), dbSNP rs121913227, ClinGen allele CA16602420.